The following is an entry in ClinVar:

NM_015631.6(TCTN3):c.1567C>T (p.Leu523=)

Gene: TCTN3 (tectonic family member 3; minus strand). Cytogenetic location: 10q24.1.
Variant type: single nucleotide variant.
Coding change: c.1567C>T on transcript NM_015631.6 (MANE Select); coding-DNA position 1567, C replaced by T.
Protein change: p.Leu523=; no amino-acid change (leucine 523 retained).
Molecular consequence: synonymous variant.
Genome position (GRCh38, 1-based): chr10:95,680,495, G>A on the plus strand (C>T on the coding strand, the complement: TCTN3 is on the minus strand). VCF-style: chr10-95680495-G-A. GRCh37 (hg19) VCF-style: chr10-97440252-G-A.
Other names: c.1123C>T, p.Leu375= (NM_001143973.2).
Identifiers: ClinVar variation 385908 (VCV000385908.11), dbSNP rs150579201, ClinGen allele CA5620794.

ClinVar aggregate classification (germline): Likely benign. Review status: criteria provided, multiple submitters, no conflicts (2 of 4 stars). 4 submissions from 4 submitters: Likely benign (4). Last evaluated 2026-01-20.

Conditions:
TCTN3-related disorder. Also called: TCTN3-related condition.
Joubert syndrome 18 (JBTS18). Identifiers: Orphanet 2754, MedGen C3553758, MONDO:0013896, OMIM 614815.
Orofacial-digital syndrome IV (OFD4). Also called: BARAITSER-BURN SYNDROME; OFD SYNDROME WITH TIBIAL DEFECTS; OFD SYNDROME, BARAITSER-BURN TYPE; OFDS IV; ORAL-FACIAL-DIGITAL SYNDROME, TYPE IV; Orofaciodigital syndrome IV. Identifiers: Orphanet 2753, MedGen C0406727, MONDO:0009794, OMIM 258860.

Allele frequency attached by ClinVar (database versions not stated): gnomAD exomes 0.00001 and 0.00011; ExAC 0.00017; 1000 Genomes Project 30x 0.00031; ESP Exome Variant Server 0.00031; gnomAD 0.00036 and 0.00039; 1000 Genomes Project 0.00040; TOPMed 0.00042.
gnomAD v4.1: 73 of 1,614,096 alleles (0.0045%); highest among the groups gnomAD compares: African/African-American, 0.093%; no homozygotes.

Submissions (4):

Labcorp Genetics (formerly Invitae), Labcorp
Classification: Likely benign for Joubert syndrome 18; Orofacial-digital syndrome IV. Last evaluated: 2026-01-20. Review status: criteria provided, single submitter. Criteria: Invitae Variant Classification Sherloc (09022015). Collection method: clinical testing. Allele origin: germline.

PreventionGenetics, part of Exact Sciences
Classification: Likely benign for TCTN3-related condition. Last evaluated: 2026-01-15. Review status: criteria provided, single submitter. Criteria: ACMG Guidelines, 2015. Collection method: clinical testing. Allele origin: germline.
Comment: This variant is classified as likely benign based on ACMG/AMP sequence variant interpretation guidelines (Richards et al. 2015 PMID: 25741868, with internal and published modifications).

Blueprint Genetics
Classification: Likely benign. Last evaluated: 2024-02-19. Review status: criteria provided, single submitter. Criteria: ACMG Guidelines, 2015. Collection method: clinical testing. Allele origin: germline.

GeneDx
Classification: Likely benign. Last evaluated: 2016-05-09. Review status: criteria provided, single submitter. Criteria: GeneDx Variant Classification (06012015). Collection method: clinical testing. Allele origin: germline. Affected: yes.
Comment: This variant is considered likely benign or benign based on one or more of the following criteria: it is a conservative change, it occurs at a poorly conserved position in the protein, it is predicted to be benign by multiple in silico algorithms, and/or has population frequency not consistent with disease.